The following is an entry in ClinVar:

NM_001080467.3(MYO5B):c.-98C>T

Genes: MYO5B (myosin VB; minus strand), LOC130062487 (ATAC-STARR-seq lymphoblastoid silent region 9453; plus strand). Cytogenetic location: 18q21.1.
Variant type: single nucleotide variant.
Coding change: c.-98C>T on transcript NM_001080467.3 (MANE Select); 98 bases upstream of the start codon, C replaced by T.
Molecular consequence: 5 prime UTR variant.
Genome position (GRCh38, 1-based): chr18:50,194,891, G>A on the plus strand (C>T on the coding strand, the complement: MYO5B is on the minus strand). VCF-style: chr18-50194891-G-A. GRCh37 (hg19) VCF-style: chr18-47721261-G-A.
Identifiers: ClinVar variation 327095 (VCV000327095.9), dbSNP rs111999307, ClinGen allele CA10650950.

ClinVar aggregate classification (germline): Benign. Review status: criteria provided, multiple submitters, no conflicts (2 of 4 stars). 3 submissions from 3 submitters: Benign (3). Last evaluated 2018-11-12.

Conditions:
Congenital microvillous atrophy (DIAR2). Also called: DAVIDSON DISEASE; MICROVILLUS ATROPHY, CONGENITAL; Microvillus inclusion disease; Diarrhea 2 with microvillus atrophy, with or without cholestasis; CONGENITAL FAMILIAL PROTRACTED DIARRHEA WITH ENTEROCYTE BRUSH-BORDER ABNORMALITIES. Identifiers: Orphanet 2290, MedGen C0341306, MONDO:0009635, OMIM 251850.

Allele frequency attached by ClinVar (database versions not stated): gnomAD exomes 0.06106; 1000 Genomes Project 0.07788; 1000 Genomes Project 30x 0.08260; gnomAD 0.09060 and 0.09556; TOPMed 0.09951.
gnomAD v4.1: 79,303 of 1,224,778 alleles (6.5%); highest among the groups gnomAD compares: African/African-American, 21%; 3,416 homozygotes.

Submissions (3):

GeneDx
Classification: Benign. Last evaluated: 2018-11-12. Review status: criteria provided, single submitter. Criteria: GeneDx Variant Classification Process June 2021. Collection method: clinical testing. Allele origin: germline. Affected: yes.

Illumina Laboratory Services, Illumina
Classification: Benign for Congenital microvillous atrophy. Last evaluated: 2018-01-12. Review status: criteria provided, single submitter. Criteria: ICSL Variant Classification Criteria 13 December 2019. Collection method: clinical testing. Allele origin: germline.
Comment: This variant was observed in the ICSL laboratory as part of a predisposition screen in an ostensibly healthy population. It had not been previously curated by ICSL or reported in the Human Gene Mutation Database (HGMD: prior to June 1st, 2018), and was therefore a candidate for classification through an automated scoring system. Utilizing variant allele frequency, disease prevalence and penetrance estimates, and inheritance mode, an automated score was calculated to assess if this variant is too frequent to cause the disease. Based on the score and internal cut-off values, a variant classified as benign is not then subjected to further curation. The score for this variant resulted in a classification of benign for this disease.

Breakthrough Genomics
Classification: Benign. Review status: criteria provided, single submitter. Criteria: ACMG Guidelines, 2015. Collection method: not provided. Allele origin: germline. Inheritance: Autosomal recessive inheritance. Affected: yes.